The following is an entry in ClinVar:

NM_022575.4(VPS16):c.1332-1G>T

Gene: VPS16 (VPS16 core subunit of CORVET and HOPS complexes; plus strand). Cytogenetic location: 20p13.
Variant type: single nucleotide variant.
Coding change: c.1332-1G>T on transcript NM_022575.4 (MANE Select); the canonical splice acceptor site of the intron before coding-DNA position 1332, G replaced by T.
Molecular consequence: splice acceptor variant.
Genome position (GRCh38, 1-based): chr20:2,863,064, G>T. VCF-style: chr20-2863064-G-T. GRCh37 (hg19) VCF-style: chr20-2843710-G-T.
Other names: c.900-1G>T (NM_080413.3).
Identifiers: ClinVar variation 1879532 (VCV001879532.29), dbSNP rs373116713, ClinGen allele CA9737695.

ClinVar aggregate classification (germline): Uncertain significance. Review status: criteria provided, multiple submitters, no conflicts (2 of 4 stars). 2 submissions from 2 submitters: Uncertain significance (2). Last evaluated 2024-04-04.

Conditions:
Dystonia 30. Identifiers: MedGen C5543312, MONDO:0025691, OMIM 619291.

Allele frequency attached by ClinVar (database versions not stated): TOPMed 0.00002; gnomAD 0.00003; ESP Exome Variant Server 0.00008.
gnomAD v4.1: 18 of 1,613,984 alleles (0.0011%); highest among the groups gnomAD compares: Middle Eastern, 0.016%; no homozygotes.

Submissions (2):

Genomic Medicine Center of Excellence, King Faisal Specialist Hospital and Research Centre
Classification: Uncertain significance for Dystonia 30. Last evaluated: 2024-04-04. Review status: criteria provided, single submitter. Criteria: ACMG Guidelines, 2015. Collection method: clinical testing. Allele origin: germline.

CeGaT Center for Human Genetics Tuebingen
Classification: Uncertain significance. Last evaluated: 2022-10-01. Review status: criteria provided, single submitter. Criteria: CeGaT Center For Human Genetics Tuebingen Variant Classification Criteria Version 2. Collection method: clinical testing. Allele origin: germline. Affected: yes. Observed: 1 variant allele.
Comment: VPS16: PM2, PM4:Supporting